The following is an entry in ClinVar:

ClinVar aggregate classification (germline): Uncertain significance. Review status: criteria provided, multiple submitters, no conflicts (2 of 4 stars). 3 submissions from 3 submitters: Uncertain significance (2). 1 of the submissions does not count toward it. Last evaluated 2025-12-15.

Conditions:
Tip-toe gait. Also called: Toe walking. Identifiers: MedGen C0427144, HP:0030051.
2-aminoadipic 2-oxoadipic aciduria (AAKAD). Also called: Aminoadipic aciduria; ALPHA-AMINOADIPIC AND ALPHA-KETOADIPIC ACIDURIA. Identifiers: Orphanet 79154, MedGen C1859817, MONDO:0008774, OMIM 204750.

Allele frequency attached by ClinVar (database versions not stated): gnomAD exomes 0.00002; TOPMed 0.00005; ESP Exome Variant Server 0.00015; gnomAD 0.00003; ExAC 0.00004.
gnomAD v4.1: 59 of 1,613,668 alleles (0.0037%); highest among the groups gnomAD compares: Non-Finnish European, 0.0049%; no homozygotes.

Submissions (3):

Labcorp Genetics (formerly Invitae), Labcorp
Classification: Uncertain significance for 2-aminoadipic 2-oxoadipic aciduria. Last evaluated: 2025-12-15. Review status: criteria provided, single submitter. Criteria: Invitae Variant Classification Sherloc (09022015). Collection method: clinical testing. Allele origin: germline.
Comment: This sequence change replaces serine, which is neutral and polar, with isoleucine, which is neutral and non-polar, at codon 862 of the DHTKD1 protein (p.Ser862Ile). This variant is present in population databases (rs145082960, gnomAD 0.004%). This missense change has been observed in individual(s) with clinical features of autosomal dominant DHTKD1-related conditions and/or eosinophilic esophagitis (PMID: 29669943; internal data). ClinVar contains an entry for this variant (Variation ID: 1315891). Invitae Evidence Modeling of protein sequence and biophysical properties (such as structural, functional, and spatial information, amino acid conservation, physicochemical variation, residue mobility, and thermodynamic stability) indicates that this missense variant is not expected to disrupt DHTKD1 protein function with a negative predictive value of 80%. In summary, the available evidence is currently insufficient to determine the role of this variant in disease. Therefore, it has been classified as a Variant of Uncertain Significance.

GeneDx
Classification: Uncertain significance. Last evaluated: 2021-02-17. Review status: criteria provided, single submitter. Criteria: GeneDx Variant Classification Process June 2021. Collection method: clinical testing. Allele origin: germline. Affected: yes.
Comment: Not observed at a significant frequency in large population cohorts (Lek et al., 2016); In silico analysis supports that this missense variant has a deleterious effect on protein structure/function; Identified in the heterozygous state in an individual with eosinophilic esophagitis (Sherrill et al., 2018); This variant is associated with the following publications: (PMID: 32633484, 29669943)

Practice for Gait Abnormalities, David Pomarino, Competency Network Toe Walking C/o Practice Pomarino
Classification: Uncertain significance for Tip-toe gait. Last evaluated: 2023-06-19. Review status: no assertion criteria provided. Collection method: clinical testing. Allele origin: germline. Affected: yes. Not counted in ClinVar's aggregate classification.
Comment: Hereditary motor sensory neuropathy (HMSN), also known as Charcot-Marie-Tooth Disease (CMT), is the most commonly inherited peripheral polyneuropathy. It constitutes a group of inherited, progressive, motor and sensory peripheral nerve disorders with properties of demyelination, axonal degeneration, or both. It is classified by clinical characteristics, modes of inheritance, electrophysiologic features, metabolic defects, and specific gene markers. Our patients all walk on tiptoe, so they show similar symptoms. When we genetically test them with our toe walking panel, we find that around 90 per cent of them have a genetic variant that explains their toe walking. These can be assigned, for example, to the area of myopathies (such as variants of the COL6A3 gene), the area of hereditary neuropathies (such as variants of the KMT2C gene) or the area of metabolic diseases (such as variants of the PYGM gene). In a smaller group of patients with almost identical symptoms, no abnormality is found in the genes of our panel, but spastic paraplegia can be detected. In another small group of our toe walkers, no abnormalities can be detected in the genes analysed in our toe walking panel, nor do they suffer from spastic paraplegia, as is also the case with healthy children. In contrast to these, however, they show a tiptoe gait. These patients suffer from infantile cerebral palsy, in which toe walking can also be observed.

Literature cited by the submitters: PubMed 29669943 (cited by Labcorp Genetics (formerly Invitae), Labcorp); PubMed 37091313 (cited by Practice for Gait Abnormalities, David Pomarino, Competency Network Toe Walking C/o Practice Pomarino).

NM_018706.7(DHTKD1):c.2585G>T (p.Ser862Ile)

Gene: DHTKD1 (dehydrogenase E1 and transketolase domain containing 1; plus strand). Cytogenetic location: 10p14.
Variant type: single nucleotide variant.
Coding change: c.2585G>T on transcript NM_018706.7 (MANE Select); coding-DNA position 2585, G replaced by T.
Protein change: p.Ser862Ile; replaces serine 862 with isoleucine.
Molecular consequence: missense variant.
Genome position (GRCh38, 1-based): chr10:12,120,194, G>T. VCF-style: chr10-12120194-G-T. GRCh37 (hg19) VCF-style: chr10-12162193-G-T.
Other names: short protein forms S862I.
Identifiers: ClinVar variation 1315891 (VCV001315891.12), dbSNP rs145082960, ClinGen allele CA5408321.